The following is an entry in ClinVar:

ClinVar aggregate classification (germline): Uncertain significance. Review status: criteria provided, multiple submitters, no conflicts (2 of 4 stars). 2 submissions from 2 submitters: Uncertain significance (2). Last evaluated 2024-02-06.

Conditions:
Intellectual disability-hypotonic facies syndrome, X-linked, 1 (MRXHF1). Also called: HOLMES-GANG SYNDROME; CHUDLEY-LOWRY SYNDROME; Chudley syndrome 1; Chudley-Lowry-Hoar syndrome; Carpenter-Waziri syndrome; XLMR-HYPOTONIC FACIES SYNDROME. Identifiers: Orphanet 73220, Orphanet 93970, Orphanet 93971, Orphanet 93972, Orphanet 93973, Orphanet 93974, Orphanet 93975, MedGen C4759781, MONDO:0010663, OMIM 309580.

gnomAD v4.1: 1 of 1,209,673 alleles (0.000083%); highest among the groups gnomAD compares: South Asian, 0.0018%; no homozygotes.

Submissions (2):

GeneDx
Classification: Uncertain significance. Last evaluated: 2024-02-06. Review status: criteria provided, single submitter. Criteria: GeneDx Variant Classification Process June 2021. Collection method: clinical testing. Allele origin: germline. Affected: yes.
Comment: Not observed at significant frequency in large population cohorts (gnomAD); In silico analysis supports that this missense variant has a deleterious effect on protein structure/function; Has not been previously published as pathogenic or benign to our knowledge

CENTOGENE GmbH and LLC - Guiding Precision Medicine
Classification: Uncertain significance for Intellectual disability-hypotonic facies syndrome, X-linked, 1. Last evaluated: 2019-08-06. Review status: criteria provided, single submitter. Criteria: ACMG Guidelines, 2015. Collection method: clinical testing. Allele origin: germline. Affected: yes.

NM_000489.6(ATRX):c.6653C>T (p.Pro2218Leu)

Gene: ATRX (ATRX chromatin remodeler; minus strand). Cytogenetic location: Xq21.1.
Variant type: single nucleotide variant.
Coding change: c.6653C>T on transcript NM_000489.6 (MANE Select); coding-DNA position 6653, C replaced by T.
Protein change: p.Pro2218Leu; replaces proline 2218 with leucine.
Molecular consequence: missense variant.
Genome position (GRCh38, 1-based): chrX:77,557,497, G>A on the plus strand (C>T on the coding strand, the complement: ATRX is on the minus strand). VCF-style: chrX-77557497-G-A. GRCh37 (hg19) VCF-style: chrX-76812968-G-A.
Other names: c.6539C>T, p.Pro2180Leu (NM_138270.5); c.6653C>T (NM_000489.3); short protein forms P2180L, P2218L.
Identifiers: ClinVar variation 1333729 (VCV001333729.2), dbSNP rs2147941337, ClinGen allele CA413698584.